The following is an entry in ClinVar:

NM_024577.4(SH3TC2):c.*12509T>C

Gene: SH3TC2 (SH3 domain and tetratricopeptide repeats 2; minus strand). Cytogenetic location: 5q32.
Variant type: single nucleotide variant.
Coding change: c.*12509T>C on transcript NM_024577.4 (MANE Select); 12509 bases downstream of the stop codon, T replaced by C.
Molecular consequence: 3 prime UTR variant.
Genome position (GRCh38, 1-based): chr5:148,992,202, A>G on the plus strand (T>C on the coding strand, the complement: SH3TC2 is on the minus strand). VCF-style: chr5-148992202-A-G. GRCh37 (hg19) VCF-style: chr5-148371765-A-G.
Identifiers: ClinVar variation 351679 (VCV000351679.5), dbSNP rs550901114, ClinGen allele CA10623223.

ClinVar aggregate classification (germline): Likely benign. Review status: criteria provided, single submitter (1 of 4 stars). 2 submissions from 1 submitter: Likely benign (2). Last evaluated 2018-01-13.

Conditions:
Susceptibility to mononeuropathy of the median nerve, mild. Also called: CARPAL TUNNEL SYNDROME, SUSCEPTIBILITY TO. Identifiers: MedGen C3150596, MONDO:0013237, OMIM 613353.
Charcot-Marie-Tooth disease type 4C (CMT4C). Also called: CHARCOT-MARIE-TOOTH DISEASE, DEMYELINATING, AUTOSOMAL RECESSIVE, TYPE 4C; CMT 4C; Charcot-Marie-Tooth Neuropathy Type 4C (CMT4C); CHARCOT-MARIE-TOOTH DISEASE, DEMYELINATING, TYPE 4C; SH3TC2-Related Hereditary Motor and Sensory Neuropathy. Identifiers: Orphanet 99949, MedGen C1866636, MONDO:0011113, OMIM 601596.

Allele frequency attached by ClinVar (database versions not stated): gnomAD 0.00028 and 0.00058; TOPMed 0.00029; 1000 Genomes Project 30x 0.00172; 1000 Genomes Project 0.00260.
gnomAD v4.1: 88 of 152,346 alleles (0.058%); highest among the groups gnomAD compares: South Asian, 0.99%; no homozygotes.

Submissions (2):

Illumina Laboratory Services, Illumina
Classification: Likely benign for Charcot-Marie-Tooth disease type 4C. Last evaluated: 2018-01-13. Review status: criteria provided, single submitter. Criteria: ICSL Variant Classification Criteria 13 December 2019. Collection method: clinical testing. Allele origin: germline.
Comment: This variant was observed in the ICSL laboratory as part of a predisposition screen in an ostensibly healthy population. It had not been previously curated by ICSL or reported in the Human Gene Mutation Database (HGMD: prior to June 1st, 2018), and was therefore a candidate for classification through an automated scoring system. Utilizing variant allele frequency, disease prevalence and penetrance estimates, and inheritance mode, an automated score was calculated to assess if this variant is too frequent to cause the disease. Based on the score and internal cut-off values, a variant classified as likely benign is not then subjected to further curation. The score for this variant resulted in a classification of likely benign for this disease.

Illumina Laboratory Services, Illumina
Classification: Likely benign for Susceptibility to mononeuropathy of the median nerve, mild. Last evaluated: 2018-01-13. Review status: criteria provided, single submitter. Criteria: ICSL Variant Classification Criteria 13 December 2019. Collection method: clinical testing. Allele origin: germline.
Comment: the same text as in the submission from Illumina Laboratory Services, Illumina above.